The following is an entry in ClinVar:

NM_001081.4(CUBN):c.6398A>G (p.His2133Arg)

Gene: CUBN (cubilin; minus strand). Cytogenetic location: 10p13.
Variant type: single nucleotide variant.
Coding change: c.6398A>G on transcript NM_001081.4 (MANE Select); coding-DNA position 6398, A replaced by G.
Protein change: p.His2133Arg; replaces histidine 2133 with arginine.
Molecular consequence: missense variant.
Genome position (GRCh38, 1-based): chr10:16,925,648, T>C on the plus strand (A>G on the coding strand, the complement: CUBN is on the minus strand). VCF-style: chr10-16925648-T-C. GRCh37 (hg19) VCF-style: chr10-16967647-T-C.
Other names: short protein forms H2133R.
Identifiers: ClinVar variation 1800745 (VCV001800745.1), dbSNP rs2491477132, ClinGen allele CA376151415.
Genomic context (GRCh38, chr10:16,925,648, plus strand): 5'-AAGTAATCCCCCTGGTTGCAAGAAGAATCTCCATTTGGAATCTGGAAAGGCTGTTCAAAA[T>C]GGACAGCAATGGTCAGGCCACTTTGGACCAGGACGTGCCAAGAACAGTTGAGGTTGGATG-3'
Protein context (NP_001072.2, residues 2123-2143): LVQSGLTIAV[His2133Arg]FEQPFQIPNG

ClinVar aggregate classification (germline): Uncertain significance (1 of 4 stars; one submission).

Submission:

GeneDx
Classification: Uncertain significance. Last evaluated: 2022-05-18. Review status: criteria provided, single submitter. Criteria: GeneDx Variant Classification Process June 2021. Collection method: clinical testing. Allele origin: germline. Affected: yes.
Comment: Not observed at significant frequency in large population cohorts (gnomAD); In silico analysis supports that this missense variant does not alter protein structure/function; Has not been previously published as pathogenic or benign to our knowledge